The following is an entry in ClinVar:

ClinVar aggregate classification (germline): Uncertain significance. Review status: criteria provided, multiple submitters, no conflicts (2 of 4 stars). 2 submissions from 2 submitters: Uncertain significance (2). Last evaluated 2024-05-16.

Conditions:
Pitt-Hopkins-like syndrome 2 (PTHSL2). Identifiers: Orphanet 221150, Orphanet 600663, MedGen C3280479, MONDO:0013690, OMIM 614325.
Inborn genetic diseases. Identifiers: MedGen C0950123, MeSH D030342.

Allele frequency attached by ClinVar (database versions not stated): TOPMed 0.00002; gnomAD 0.00003.
gnomAD v4.1: 7 of 1,614,054 alleles (0.00043%); highest among the groups gnomAD compares: African/African-American, 0.008%; no homozygotes.

Submissions (2):

Labcorp Genetics (formerly Invitae), Labcorp
Classification: Uncertain significance for Pitt-Hopkins-like syndrome 2. Last evaluated: 2024-05-16. Review status: criteria provided, single submitter. Criteria: Invitae Variant Classification Sherloc (09022015). Collection method: clinical testing. Allele origin: germline.
Comment: This sequence change replaces asparagine, which is neutral and polar, with lysine, which is basic and polar, at codon 1244 of the NRXN1 protein (p.Asn1244Lys). This variant is present in population databases (rs757509384, gnomAD 0.02%). This variant has not been reported in the literature in individuals affected with NRXN1-related conditions. ClinVar contains an entry for this variant (Variation ID: 539882). Advanced modeling of protein sequence and biophysical properties (such as structural, functional, and spatial information, amino acid conservation, physicochemical variation, residue mobility, and thermodynamic stability) performed at Invitae indicates that this missense variant is not expected to disrupt NRXN1 protein function with a negative predictive value of 80%. In summary, the available evidence is currently insufficient to determine the role of this variant in disease. Therefore, it has been classified as a Variant of Uncertain Significance.

Ambry Genetics
Classification: Uncertain significance for Inborn genetic diseases. Last evaluated: 2019-02-27. Review status: criteria provided, single submitter. Criteria: Ambry Variant Classification Scheme 2023. Collection method: clinical testing. Allele origin: germline.
Comment: The p.N1244K variant (also known as c.3732T>A), located in coding exon 19 of the NRXN1 gene, results from a T to A substitution at nucleotide position 3732. The asparagine at codon 1244 is replaced by lysine, an amino acid with similar properties. This amino acid position is not well conserved in available vertebrate species. In addition, this alteration is predicted to be tolerated by in silico analysis. Since supporting evidence is limited at this time, the clinical significance of this alteration remains unclear.

NM_001330078.2(NRXN1):c.3612T>A (p.Asn1204Lys)

Gene: NRXN1 (neurexin 1; minus strand). Cytogenetic location: 2p16.3.
Variant type: single nucleotide variant.
Coding change: c.3612T>A on transcript NM_001330078.2 (MANE Select); coding-DNA position 3612, T replaced by A.
Protein change: p.Asn1204Lys; replaces asparagine 1204 with lysine.
Molecular consequence: missense variant.
Genome position (GRCh38, 1-based): chr2:50,091,429, A>T on the plus strand (T>A on the coding strand, the complement: NRXN1 is on the minus strand). VCF-style: chr2-50091429-A-T. GRCh37 (hg19) VCF-style: chr2-50318567-A-T.
Other names: c.3732T>A, p.Asn1244Lys (NM_001135659.3); c.3588T>A, p.Asn1196Lys (NM_001330077.2, NM_001330082.2); c.3546T>A, p.Asn1182Lys (NM_001330083.2, NM_001330084.2); c.3585T>A, p.Asn1195Lys (NM_001330085.2); c.3612T>A, p.Asn1204Lys (NM_001330086.2, NM_004801.6); c.3501T>A, p.Asn1167Lys (NM_001330087.2, NM_001330096.2); c.3531T>A, p.Asn1177Lys (NM_001330088.2); c.507T>A, p.Asn169Lys (NM_001330091.2, NM_001330092.2, NM_001330097.2 and 1 more transcripts); and 3 more; short protein forms N1244K, N1200K, N1167K, N1182K, N1204K, N1177K, N1195K, N1187K.
Identifiers: ClinVar variation 539882 (VCV000539882.12), dbSNP rs757509384, ClinGen allele CA1654406.
Genomic context (GRCh38, chr2:50,091,429, plus strand): 5'-GGCATTGCCACCACTCCTCGTGAAACGAACTACATGGTATTTCCCATCATTAATGATTGC[A>T]TTGGATTCTTCAATGGCGATGTCATCTGTCCCAACATTAAACTTAACTCCAATTTTTCCC-3'
Protein context (NP_001317007.1, residues 1194-1214): GTDDIAIEES[Asn1204Lys]AIINDGKYHV